The following is an entry in ClinVar:

NM_025114.4(CEP290):c.379A>C (p.Lys127Gln)

Gene: CEP290 (centrosomal protein 290; minus strand). Cytogenetic location: 12q21.32.
Variant type: single nucleotide variant.
Coding change: c.379A>C on transcript NM_025114.4 (MANE Select); coding-DNA position 379, A replaced by C.
Protein change: p.Lys127Gln; replaces lysine 127 with glutamine.
Molecular consequence: missense variant.
Genome position (GRCh38, 1-based): chr12:88,136,705, T>G on the plus strand (A>C on the coding strand, the complement: CEP290 is on the minus strand). VCF-style: chr12-88136705-T-G. GRCh37 (hg19) VCF-style: chr12-88530482-T-G.
Other names: c.379A>C (NM_025114.3); short protein forms K127Q.
Identifiers: ClinVar variation 596966 (VCV000596966.11), dbSNP rs781101346, ClinGen allele CA6712818.

ClinVar aggregate classification (germline): Uncertain significance. Review status: criteria provided, multiple submitters, no conflicts (2 of 4 stars). 3 submissions from 3 submitters: Uncertain significance (3). Last evaluated 2024-12-26.

Conditions:
CEP290-related disorder. Also called: CEP290-related condition; CEP290-related disorders. Identifiers: MedGen CN239314.
Meckel-Gruber syndrome. Also called: DYSENCEPHALIA SPLANCHNOCYSTICA; GRUBER SYNDROME; Dysencephalia splachnocystica. Identifiers: Orphanet 564, MedGen C0265215, MONDO:0018921.
Joubert syndrome. Also called: Familial aplasia of the vermis; JOUBERT-BOLTSHAUSER SYNDROME. Identifiers: Orphanet 475, MedGen C5979921, MONDO:0018772.
Nephronophthisis. Also called: Juvenile Nephronophthisis. Identifiers: Orphanet 655, MedGen C0687120, MONDO:0019005, HP:0000090.

Allele frequency attached by ClinVar (database versions not stated): TOPMed below 0.00001; ExAC 0.00001; gnomAD exomes 0.00001.

Submissions (3):

PreventionGenetics, part of Exact Sciences
Classification: Uncertain significance for CEP290-related condition. Last evaluated: 2024-12-26. Review status: criteria provided, single submitter. Criteria: ACMG Guidelines, 2015. Collection method: clinical testing. Allele origin: germline.
Comment: The CEP290 c.379A>C variant is predicted to result in the amino acid substitution p.Lys127Gln. To our knowledge, this variant has not been reported in the literature. This variant is reported in 0.0058% of alleles in individuals of Latino descent in gnomAD. At this time, the clinical significance of this variant is uncertain due to the absence of conclusive functional and genetic evidence.

Labcorp Genetics (formerly Invitae), Labcorp
Classification: Uncertain significance for Joubert syndrome; Meckel-Gruber syndrome; Nephronophthisis. Last evaluated: 2022-06-10. Review status: criteria provided, single submitter. Criteria: Invitae Variant Classification Sherloc (09022015). Collection method: clinical testing. Allele origin: germline.
Comment: In summary, the available evidence is currently insufficient to determine the role of this variant in disease. Therefore, it has been classified as a Variant of Uncertain Significance. Algorithms developed to predict the effect of missense changes on protein structure and function are either unavailable or do not agree on the potential impact of this missense change (SIFT: "Tolerated"; PolyPhen-2: "Probably Damaging"; Align-GVGD: "Class C0"). ClinVar contains an entry for this variant (Variation ID: 596966). This variant has not been reported in the literature in individuals affected with CEP290-related conditions. This variant is present in population databases (rs781101346, gnomAD 0.006%). This sequence change replaces lysine, which is basic and polar, with glutamine, which is neutral and polar, at codon 127 of the CEP290 protein (p.Lys127Gln).

Eurofins Ntd Llc (ga)
Classification: Uncertain significance. Last evaluated: 2018-06-02. Review status: criteria provided, single submitter. Criteria: EGL ClinVar v180209 classification definitions. Collection method: clinical testing. Allele origin: germline. Observed: 1 variant allele, 1 heterozygote.